The following is an entry in ClinVar:

ClinVar aggregate classification (germline): Conflicting classifications of pathogenicity. Review status: criteria provided, conflicting classifications (1 of 4 stars). 5 submissions from 5 submitters: Uncertain significance (4); Likely benign (1). Last evaluated 2025-08-19.

Conditions:
VWF-related disorder. Also called: VWF-related condition; VWF-related disorders.

Allele frequency attached by ClinVar (database versions not stated): gnomAD 0.00002 and 0.00003; gnomAD exomes 0.00005 and 0.00006; ExAC 0.00007; TOPMed 0.00007.
gnomAD v4.1: 71 of 1,614,076 alleles (0.0044%); highest among the groups gnomAD compares: Middle Eastern, 0.016%; no homozygotes.

Submissions (6):

PreventionGenetics, part of Exact Sciences
Classification: Uncertain significance for VWF-related condition. Last evaluated: 2025-08-19. Review status: criteria provided, single submitter. Criteria: ACMG Guidelines, 2015. Collection method: clinical testing. Allele origin: germline.
Comment: The VWF c.2025G>A variant is not predicted to result in an amino acid change (p.=). This variant has been reported along with 3 additional heterozygous variant in VWF in an individual with type 3 VWD (Table S4, Table S16. Borràs et al. 2017. PubMed ID: 28971901). This variant is predicted to impact splicing based on available splicing prediction programs (SpliceAI, Jaganathan et al. 2019. PubMed ID: 30661751). This variant is reported in 0.025% of alleles in individuals of Latino descent in gnomAD. At this time, the clinical significance of this variant is uncertain due to the absence of conclusive functional and genetic evidence.

ARUP Laboratories, Molecular Genetics and Genomics, ARUP Laboratories
Classification: Uncertain significance. Last evaluated: 2024-12-12. Review status: criteria provided, single submitter. Criteria: ARUP Molecular Germline Variant Investigation Process 2024. Collection method: clinical testing. Allele origin: germline.
Comment: The VWF c.2025G>A; p.Pro675Pro variant (rs779045480, ClinVar Variation ID: 310077) is reported in the literature in an individual with von Willebrand disease type 3, that also carried additional VWF variants, although phase is unknown (Borras 2017). This variant is found in the general population with an overall allele frequency of 0.006% (17/282,842 alleles) in the Genome Aggregation Database (v2.1.1). This is a synonymous variant in a weakly conserved nucleotide, but computational analyses (Alamut Visual Plus v.1.11) predict that this variant may impact splicing by creating a novel cryptic acceptor splice site. Due to limited information, the clinical significance of this variant is uncertain at this time. References: Borras N et al. Molecular and clinical profile of von Willebrand disease in Spain (PCM-EVW-ES): comprehensive genetic analysis by next-generation sequencing of 480 patients. Haematologica. 2017 Dec;102(12):2005-2014. PMID: 28971901.

Quest Diagnostics Nichols Institute San Juan Capistrano
Classification: Uncertain significance. Last evaluated: 2024-05-22. Review status: criteria provided, single submitter. Criteria: Quest Diagnostics criteria. Collection method: clinical testing. Allele origin: unknown.
Comment: The VWF c.2025G>A (p.Pro675=) synonymous variant has been reported in the published literature to co-occur with two other deleterious VWF variants in an individual with Type 3 von Willebrand disease, suggesting this variant was not the primary cause of disease (PMID: 28971901 (2017)). The frequency of this variant in the general population, 0.00025 (9/35438 chromosomes (Genome Aggregation Database)), is uninformative in the assessment of its pathogenicity. Analysis of this variant using software algorithms for the prediction of the effect of nucleotide changes on VWF mRNA splicing yielded predictions that this variant may result in the gain of a cryptic splice site without affecting the natural splice sites. Based on the available information, we are unable to determine the clinical significance of this variant.

Mayo Clinic Laboratories, Mayo Clinic
Classification: Uncertain significance. Last evaluated: 2024-04-11. Review status: criteria provided, single submitter. Criteria: ACMG Guidelines, 2015. Collection method: clinical testing. Allele origin: germline. Observed: 1 variant allele.
Comment: PP3

Women's Health and Genetics/Laboratory Corporation of America, LabCorp
Classification: Likely benign. Last evaluated: 2024-01-09. Review status: criteria provided, single submitter. Criteria: LabCorp Variant Classification Summary - May 2015. Collection method: clinical testing. Allele origin: germline.

Dr. Peter K. Rogan Lab, Western University
No classification provided (evidence only). Condition: Clear cell carcinoma of kidney. Review status: no classification provided. Collection method: in vitro. Allele origin: not applicable. Functional consequence: retained intron. Not counted in ClinVar's aggregate classification.

Literature cited by the submitters: PubMed 28971901 (cited by Quest Diagnostics Nichols Institute San Juan Capistrano and Mayo Clinic Laboratories, Mayo Clinic).

NM_000552.5(VWF):c.2025G>A (p.Pro675=)

Gene: VWF (von Willebrand factor; minus strand). Cytogenetic location: 12p13.31.
Variant type: single nucleotide variant.
Coding change: c.2025G>A on transcript NM_000552.5 (MANE Select); coding-DNA position 2025, G replaced by A.
Protein change: p.Pro675=; no amino-acid change (proline 675 retained).
Molecular consequence: synonymous variant.
Genome position (GRCh38, 1-based): chr12:6,052,704, C>T on the plus strand (G>A on the coding strand, the complement: VWF is on the minus strand). VCF-style: chr12-6052704-C-T. GRCh37 (hg19) VCF-style: chr12-6161870-C-T.
Other names: p.Pro675=; c.2025G>A (NM_000552.4).
Identifiers: ClinVar variation 310077 (VCV000310077.16), dbSNP rs779045480, ClinGen allele CA6403196.